The following is an entry in ClinVar:

ClinVar aggregate classification (germline): Pathogenic (1 of 4 stars; one submission).

Conditions:
Duchenne muscular dystrophy (DMD). Also called: MUSCULAR DYSTROPHY, PSEUDOHYPERTROPHIC PROGRESSIVE, DUCHENNE TYPE; Duchenne Muscular Dystrophy (DMD). Identifiers: Orphanet 98896, MedGen C0013264, MONDO:0010679, OMIM 310200.

Submission:

Labcorp Genetics (formerly Invitae), Labcorp
Classification: Pathogenic for Duchenne muscular dystrophy. Last evaluated: 2022-08-15. Review status: criteria provided, single submitter. Criteria: Invitae Variant Classification Sherloc (09022015). Collection method: clinical testing. Allele origin: germline.
Comment: This sequence change creates a premature translational stop signal (p.Leu1900*) in the DMD gene. It is expected to result in an absent or disrupted protein product. Loss-of-function variants in DMD are known to be pathogenic (PMID: 16770791, 25007885). This variant is not present in population databases (gnomAD no frequency). This premature translational stop signal has been observed in individual(s) with Duchenne muscular dystrophy (PMID: 34106991). ClinVar contains an entry for this variant (Variation ID: 1429262). For these reasons, this variant has been classified as Pathogenic.

Literature cited by the submitters: PubMed 16770791; PubMed 25007885; PubMed 34106991.

NM_004006.3(DMD):c.5699T>A (p.Leu1900Ter)

Gene: DMD (dystrophin; minus strand). Cytogenetic location: Xp21.1.
Variant type: single nucleotide variant.
Coding change: c.5699T>A on transcript NM_004006.3 (MANE Select); coding-DNA position 5699, T replaced by A.
Protein change: p.Leu1900Ter; replaces leucine 1900 with a stop codon.
Molecular consequence: nonsense.
Genome position (GRCh38, 1-based): chrX:32,343,174, A>T on the plus strand (T>A on the coding strand, the complement: DMD is on the minus strand). VCF-style: chrX-32343174-A-T. GRCh37 (hg19) VCF-style: chrX-32361291-A-T.
Other names: c.5675T>A, p.Leu1892Ter (NM_000109.4); c.5687T>A, p.Leu1896Ter (NM_004009.3); c.5330T>A, p.Leu1777Ter (NM_004010.3); c.1676T>A, p.Leu559Ter (NM_004011.4); c.1667T>A, p.Leu556Ter (NM_004012.4); short protein forms L559*, L1896*, L1777*, L556*, L1892*, L1900*.
Identifiers: ClinVar variation 1429262 (VCV001429262.6), dbSNP rs1057518866, ClinGen allele CA412665750.